The following is an entry in ClinVar:

NM_001367943.1(TCF7L2):c.1002-6C>T

Gene: TCF7L2 (transcription factor 7 like 2; plus strand). Cytogenetic location: 10q25.3.
Variant type: single nucleotide variant.
Coding change: c.1002-6C>T on transcript NM_001367943.1 (MANE Select); 6 bases into the intron before coding-DNA position 1002, C replaced by T.
Molecular consequence: intron variant.
Genome position (GRCh38, 1-based): chr10:113,151,719, C>T. VCF-style: chr10-113151719-C-T. GRCh37 (hg19) VCF-style: chr10-114911478-C-T.
Other names: c.1002-6C>T (NM_001363501.2, NM_001146274.2, NM_001198531.2); c.1074-6C>T (NM_001146283.2); c.948-6C>T (NM_001198525.2); c.933-6C>T (NM_001198528.2, NM_030756.5, NM_001198529.2 and 3 more transcripts); c.921-6C>T (NM_001198527.2, NM_001146284.2); c.831-6C>T (NM_001198530.2); c.453-6C>T (NM_001349871.1); c.573-6C>T (NM_001349870.2).
Identifiers: ClinVar variation 2640841 (VCV002640841.24), dbSNP rs1160456473, ClinGen allele CA595755028.

ClinVar aggregate classification (germline): Likely benign (1 of 4 stars; one submission).

Allele frequency attached by ClinVar (database versions not stated): TOPMed below 0.00001; gnomAD 0.00001; gnomAD exomes 0.00001.
gnomAD v4.1: 4 of 1,583,356 alleles (0.00025%); highest among the groups gnomAD compares: African/African-American, 0.0014%; no homozygotes.

Submission:

CeGaT Center for Human Genetics Tuebingen
Classification: Likely benign. Last evaluated: 2022-05-01. Review status: criteria provided, single submitter. Criteria: CeGaT Center For Human Genetics Tuebingen Variant Classification Criteria Version 2. Collection method: clinical testing. Allele origin: germline. Affected: yes. Observed: 1 variant allele.
Comment: TCF7L2: BP4